The following is an entry in ClinVar:

NM_001458.5(FLNC):c.4565A>G (p.Gln1522Arg)

Gene: FLNC (filamin C; plus strand). Cytogenetic location: 7q32.1.
Variant type: single nucleotide variant.
Coding change: c.4565A>G on transcript NM_001458.5 (MANE Select); coding-DNA position 4565, A replaced by G.
Protein change: p.Gln1522Arg; replaces glutamine 1522 with arginine.
Molecular consequence: missense variant.
Genome position (GRCh38, 1-based): chr7:128,848,053, A>G. VCF-style: chr7-128848053-A-G. GRCh37 (hg19) VCF-style: chr7-128488107-A-G.
Other names: c.4565A>G, p.Gln1522Arg (NM_001127487.2); short protein forms Q1522R.
Identifiers: ClinVar variation 472069 (VCV000472069.12), dbSNP rs1022106059, ClinGen allele CA166183552.

ClinVar aggregate classification (germline): Conflicting classifications of pathogenicity. Review status: criteria provided, conflicting classifications (1 of 4 stars). 3 submissions from 3 submitters: Uncertain significance (2); Likely benign (1). Last evaluated 2026-03-07.

Conditions:
Cardiovascular phenotype. Identifiers: MedGen CN230736.
Myofibrillar myopathy 5. Also called: Filaminopathy (type); FILAMINOPATHY, AUTOSOMAL DOMINANT. Identifiers: Orphanet 171445, MedGen C1836050, MONDO:0012289, OMIM 609524.
Distal myopathy with posterior leg and anterior hand involvement. Also called: WILLIAMS DISTAL MYOPATHY. Identifiers: Orphanet 63273, MedGen C3279722, MONDO:0013550, OMIM 614065.
Hypertrophic cardiomyopathy 26. Also called: Cardiomyopathy, familial hypertrophic, 26. Identifiers: Orphanet 75249, MedGen C4310749, MONDO:0014883, OMIM 617047.

Allele frequency attached by ClinVar (database versions not stated): gnomAD exomes below 0.00001 and 0.00001; gnomAD 0.00002; TOPMed 0.00003.

Submissions (3):

GeneDx
Classification: Uncertain significance. Last evaluated: 2026-03-07. Review status: criteria provided, single submitter. Criteria: GeneDx Variant Classification Process June 2021. Collection method: clinical testing. Allele origin: germline.
Comment: Not observed at significant frequency in large population cohorts (gnomAD); In silico analysis suggests that this missense variant does not alter protein structure/function; Has not been previously published as pathogenic or benign to our knowledge

Labcorp Genetics (formerly Invitae), Labcorp
Classification: Likely benign for Distal myopathy with posterior leg and anterior hand involvement; Myofibrillar myopathy 5; Hypertrophic cardiomyopathy 26. Last evaluated: 2025-12-15. Review status: criteria provided, single submitter. Criteria: Invitae Variant Classification Sherloc (09022015). Collection method: clinical testing. Allele origin: germline.

Ambry Genetics
Classification: Uncertain significance for Cardiovascular phenotype. Last evaluated: 2023-01-22. Review status: criteria provided, single submitter. Criteria: Ambry Variant Classification Scheme 2023. Collection method: clinical testing. Allele origin: germline.
Comment: The p.Q1522R variant (also known as c.4565A>G), located in coding exon 26 of the FLNC gene, results from an A to G substitution at nucleotide position 4565. The glutamine at codon 1522 is replaced by arginine, an amino acid with highly similar properties. This amino acid position is well conserved in available vertebrate species. In addition, the in silico prediction for this alteration is inconclusive. Since supporting evidence is limited at this time, the clinical significance of this alteration remains unclear.